The following is an entry in ClinVar:

NM_130837.3(OPA1):c.2812A>G (p.Ile938Val)

Gene: OPA1 (OPA1 mitochondrial dynamin like GTPase; plus strand). Cytogenetic location: 3q29.
Variant type: single nucleotide variant.
Coding change: c.2812A>G on transcript NM_130837.3 (MANE Select); coding-DNA position 2812, A replaced by G.
Protein change: p.Ile938Val; replaces isoleucine 938 with valine.
Molecular consequence: missense variant.
Genome position (GRCh38, 1-based): chr3:193,666,329, A>G. VCF-style: chr3-193666329-A-G. GRCh37 (hg19) VCF-style: chr3-193384118-A-G.
Other names: c.2278A>G, p.Ile760Val (NM_001354663.2); c.2275A>G, p.Ile759Val (NM_001354664.2); c.2647A>G, p.Ile883Val (NM_015560.3); c.2539A>G, p.Ile847Val (NM_130831.3); c.2593A>G, p.Ile865Val (NM_130832.3); c.2650A>G, p.Ile884Val (NM_130833.3); c.2701A>G, p.Ile901Val (NM_130834.3); c.2704A>G, p.Ile902Val (NM_130835.3); and 1 more; short protein forms I883V, I938V, I865V, I902V, I920V, I759V, I847V, I901V.
Identifiers: ClinVar variation 214893 (VCV000214893.8), dbSNP rs149866497, ClinGen allele CA320164.

ClinVar aggregate classification (germline): Likely benign. Review status: criteria provided, multiple submitters, no conflicts (2 of 4 stars). 2 submissions from 2 submitters: Likely benign (2). Last evaluated 2023-11-28.

Allele frequency attached by ClinVar (database versions not stated): gnomAD exomes below 0.00001; TOPMed below 0.00001; ExAC 0.00001; gnomAD 0.00002; ESP Exome Variant Server 0.00008.
gnomAD v4.1: 4 of 1,614,084 alleles (0.00025%); highest among the groups gnomAD compares: African/African-American, 0.004%; no homozygotes.

Submissions (2):

Labcorp Genetics (formerly Invitae), Labcorp
Classification: Likely benign. Last evaluated: 2023-11-28. Review status: criteria provided, single submitter. Criteria: Invitae Variant Classification Sherloc (09022015). Collection method: clinical testing. Allele origin: germline.

GeneDx
Classification: Likely benign. Last evaluated: 2012-08-28. Review status: criteria provided, single submitter. Criteria: GeneDx Variant Classification (06012015). Collection method: clinical testing. Allele origin: germline. Affected: yes.
Comment: This variant is considered likely benign or benign based on one or more of the following criteria: it is a conservative change, it occurs at a poorly conserved position in the protein, it is predicted to be benign by multiple in silico algorithms, and/or has population frequency not consistent with disease.